The following is an entry in ClinVar:

NM_007286.6(SYNPO):c.524C>T (p.Thr175Met)

Gene: SYNPO (synaptopodin; plus strand). Cytogenetic location: 5q33.1.
Variant type: single nucleotide variant.
Coding change: c.524C>T on transcript NM_007286.6 (MANE Select); coding-DNA position 524, C replaced by T.
Protein change: p.Thr175Met; replaces threonine 175 with methionine.
Molecular consequence: missense variant.
Genome position (GRCh38, 1-based): chr5:150,648,799, C>T. VCF-style: chr5-150648799-C-T. GRCh37 (hg19) VCF-style: chr5-150028361-C-T.
Other names: c.524C>T, p.Thr175Met (NM_001109974.3); c.1256C>T, p.Thr419Met (NM_001166208.2, NM_001166209.2); short protein forms T175M, T419M.
Identifiers: ClinVar variation 1986020 (VCV001986020.4), dbSNP rs777440231, ClinGen allele CA3513236.

ClinVar aggregate classification (germline): Uncertain significance (1 of 4 stars; one submission).

Allele frequency attached by ClinVar (database versions not stated): gnomAD 0.00001; gnomAD exomes 0.00002; TOPMed 0.00002; ExAC 0.00003.
gnomAD v4.1: 32 of 1,614,126 alleles (0.002%); highest among the groups gnomAD compares: Middle Eastern, 0.066%; no homozygotes.

Submission:

Labcorp Genetics (formerly Invitae), Labcorp
Classification: Uncertain significance. Last evaluated: 2022-03-19. Review status: criteria provided, single submitter. Criteria: Invitae Variant Classification Sherloc (09022015). Collection method: clinical testing. Allele origin: germline.
Comment: This variant has not been reported in the literature in individuals affected with SYNPO-related conditions. This variant is present in population databases (rs777440231, gnomAD 0.01%). This sequence change replaces threonine, which is neutral and polar, with methionine, which is neutral and non-polar, at codon 175 of the SYNPO protein (p.Thr175Met). Algorithms developed to predict the effect of missense changes on protein structure and function are either unavailable or do not agree on the potential impact of this missense change (SIFT: "Deleterious"; PolyPhen-2: "Possibly Damaging"; Align-GVGD: "Class C15"). In summary, the available evidence is currently insufficient to determine the role of this variant in disease. Therefore, it has been classified as a Variant of Uncertain Significance.